The following is an entry in ClinVar:

NM_005883.3(APC2):c.1211C>G (p.Pro404Arg)

Gene: APC2 (APC regulator of Wnt signaling pathway 2; plus strand). Cytogenetic location: 19p13.3.
Variant type: single nucleotide variant.
Coding change: c.1211C>G on transcript NM_005883.3 (MANE Select); coding-DNA position 1211, C replaced by G.
Protein change: p.Pro404Arg; replaces proline 404 with arginine.
Molecular consequence: missense variant.
Genome position (GRCh38, 1-based): chr19:1,457,968, C>G. VCF-style: chr19-1457968-C-G. GRCh37 (hg19) VCF-style: chr19-1457967-C-G.
Other names: c.1208C>G, p.Pro403Arg (NM_001351273.1); c.1211C>G (NM_005883.2); short protein forms P403R, P404R.
Identifiers: ClinVar variation 2186636 (VCV002186636.2), dbSNP rs141413463, ClinGen allele CA403017038.

ClinVar aggregate classification (germline): Uncertain significance. Review status: criteria provided, multiple submitters, no conflicts (2 of 4 stars). 2 submissions from 2 submitters: Uncertain significance (2). Last evaluated 2025-03-18.

Conditions:
Inborn genetic diseases. Identifiers: MedGen C0950123, MeSH D030342.

gnomAD v4.1: 5 of 1,554,462 alleles (0.00032%); highest among the groups gnomAD compares: Middle Eastern, 0.018%; no homozygotes.

Submissions (2):

Ambry Genetics
Classification: Uncertain significance for Inborn genetic diseases. Last evaluated: 2025-03-18. Review status: criteria provided, single submitter. Criteria: Ambry Variant Classification Scheme 2023. Collection method: clinical testing. Allele origin: germline.

Labcorp Genetics (formerly Invitae), Labcorp
Classification: Uncertain significance. Last evaluated: 2022-10-08. Review status: criteria provided, single submitter. Criteria: Invitae Variant Classification Sherloc (09022015). Collection method: clinical testing. Allele origin: germline.
Comment: This sequence change replaces proline, which is neutral and non-polar, with arginine, which is basic and polar, at codon 404 of the APC2 protein (p.Pro404Arg). This variant is not present in population databases (gnomAD no frequency). This variant has not been reported in the literature in individuals affected with APC2-related conditions. Advanced modeling of protein sequence and biophysical properties (such as structural, functional, and spatial information, amino acid conservation, physicochemical variation, residue mobility, and thermodynamic stability) performed at Invitae indicates that this missense variant is expected to disrupt APC2 protein function. In summary, the available evidence is currently insufficient to determine the role of this variant in disease. Therefore, it has been classified as a Variant of Uncertain Significance.